The following is an entry in ClinVar:

ClinVar aggregate classification (germline): Uncertain significance (1 of 4 stars; one submission).

Conditions:
Inborn genetic diseases. Identifiers: MedGen C0950123, MeSH D030342.

gnomAD v4.1: 8 of 1,613,952 alleles (0.0005%); highest among the groups gnomAD compares: South Asian, 0.0055%; no homozygotes.

Submission:

Ambry Genetics
Classification: Uncertain significance for Inborn genetic diseases. Last evaluated: 2024-11-17. Review status: criteria provided, single submitter. Criteria: Ambry Variant Classification Scheme 2023. Collection method: clinical testing. Allele origin: germline.
Comment: The p.K53M variant (also known as c.158A>T), located in coding exon 2 of the LRRK2 gene, results from an A to T substitution at nucleotide position 158. The lysine at codon 53 is replaced by methionine, an amino acid with similar properties. This amino acid position is conserved. In addition, this alteration is predicted to be tolerated by in silico analysis. Since supporting evidence is limited at this time, the clinical significance of this alteration remains unclear.

NM_198578.4(LRRK2):c.158A>T (p.Lys53Met)

Gene: LRRK2 (leucine rich repeat kinase 2; plus strand). Cytogenetic location: 12q12.
Variant type: single nucleotide variant.
Coding change: c.158A>T on transcript NM_198578.4 (MANE Select); coding-DNA position 158, A replaced by T.
Protein change: p.Lys53Met; replaces lysine 53 with methionine.
Molecular consequence: missense variant.
Genome position (GRCh38, 1-based): chr12:40,225,561, A>T. VCF-style: chr12-40225561-A-T. GRCh37 (hg19) VCF-style: chr12-40619363-A-T.
Other names: short protein forms K53M.
Identifiers: ClinVar variation 1775876 (VCV001775876.3), dbSNP rs202157354, ClinGen allele CA384398948.